The following is an entry in ClinVar:

ClinVar aggregate classification (germline): Uncertain significance (1 of 4 stars; one submission).

Allele frequency attached by ClinVar (database versions not stated): gnomAD 0.00001; ExAC 0.00003.
gnomAD v4.1: 16 of 1,613,548 alleles (0.00099%); highest among the groups gnomAD compares: Non-Finnish European, 0.0014%; no homozygotes.

Submission:

Labcorp Genetics (formerly Invitae), Labcorp
Classification: Uncertain significance. Last evaluated: 2023-12-09. Review status: criteria provided, single submitter. Criteria: Invitae Variant Classification Sherloc (09022015). Collection method: clinical testing. Allele origin: germline.
Comment: This sequence change replaces serine, which is neutral and polar, with arginine, which is basic and polar, at codon 645 of the TCF3 protein (p.Ser645Arg). This variant is present in population databases (rs776765182, gnomAD 0.003%). This variant has not been reported in the literature in individuals affected with TCF3-related conditions. Advanced modeling of protein sequence and biophysical properties (such as structural, functional, and spatial information, amino acid conservation, physicochemical variation, residue mobility, and thermodynamic stability) performed at Invitae indicates that this missense variant is not expected to disrupt TCF3 protein function with a negative predictive value of 80%. In summary, the available evidence is currently insufficient to determine the role of this variant in disease. Therefore, it has been classified as a Variant of Uncertain Significance.

NM_003200.5(TCF3):c.1935C>G (p.Ser645Arg)

Gene: TCF3 (transcription factor 3; minus strand). Cytogenetic location: 19p13.3.
Variant type: single nucleotide variant.
Coding change: c.1935C>G on transcript NM_003200.5 (MANE Select); coding-DNA position 1935, C replaced by G.
Protein change: p.Ser645Arg; replaces serine 645 with arginine.
Molecular consequence: missense variant.
Genome position (GRCh38, 1-based): chr19:1,611,737, G>C on the plus strand (C>G on the coding strand, the complement: TCF3 is on the minus strand). VCF-style: chr19-1611737-G-C. GRCh37 (hg19) VCF-style: chr19-1611736-G-C.
Other names: c.1926C>G, p.Ser642Arg (NM_001136139.4, NM_001351779.2); c.1932C>G, p.Ser644Arg (NM_001351778.2); short protein forms S642R, S645R, S644R.
Identifiers: ClinVar variation 2784034 (VCV002784034.3), dbSNP rs776765182, ClinGen allele CA9049503.